The following is an entry in ClinVar:

ClinVar aggregate classification (germline): Likely benign (0 of 4 stars; one submission).

Conditions:
HLTF-related disorder. Also called: HLTF-related condition.

gnomAD v4.1: 2 of 1,612,702 alleles (0.00012%); no homozygotes.

Submission:

PreventionGenetics, part of Exact Sciences
Classification: Likely benign for HLTF-related condition. Last evaluated: 2024-08-21. Review status: no assertion criteria provided. Collection method: clinical testing. Allele origin: germline.
Comment: This variant is classified as likely benign based on ACMG/AMP sequence variant interpretation guidelines (Richards et al. 2015 PMID: 25741868, with internal and published modifications).

NM_003071.4(HLTF):c.2100A>G (p.Ala700=)

Gene: HLTF (helicase like transcription factor; minus strand). Cytogenetic location: 3q24.
Variant type: single nucleotide variant.
Coding change: c.2100A>G on transcript NM_003071.4 (MANE Select); coding-DNA position 2100, A replaced by G.
Protein change: p.Ala700=; no amino-acid change (alanine 700 retained).
Molecular consequence: synonymous variant.
Genome position (GRCh38, 1-based): chr3:149,042,263, T>C on the plus strand (A>G on the coding strand, the complement: HLTF is on the minus strand). VCF-style: chr3-149042263-T-C. GRCh37 (hg19) VCF-style: chr3-148760050-T-C.
Other names: c.2097A>G, p.Ala699= (NM_001318934.2); c.2100A>G, p.Ala700= (NM_001318935.2, NM_139048.3).
Identifiers: ClinVar variation 3350524 (VCV003350524.1).